The following is an entry in ClinVar:

ClinVar aggregate classification (germline): Conflicting classifications of pathogenicity. Review status: criteria provided, conflicting classifications (1 of 4 stars). 2 submissions from 2 submitters: Uncertain significance (1); Likely benign (1). Last evaluated 2023-03-23.

Conditions:
Breast-ovarian cancer, familial, susceptibility to, 2 (BROVCA2). Also called: BRCA2 Hereditary Breast and Ovarian Cancer. Identifiers: Orphanet 145, MedGen C2675520, MONDO:0012933, OMIM 612555. Disease mechanism: loss of function.
Hereditary cancer-predisposing syndrome. Also called: Neoplastic Syndromes, Hereditary; Hereditary neoplastic syndrome; Tumor predisposition; Hereditary Cancer Syndrome. Identifiers: Orphanet 140162, MedGen C0027672, MeSH D009386, MONDO:0015356.

Submissions (2):

University of Washington Department of Laboratory Medicine, University of Washington
Classification: Likely benign for Hereditary cancer-predisposing syndrome. Last evaluated: 2023-03-23. Review status: criteria provided, single submitter. Criteria: Dines et al. (Genet Med. 2020). Collection method: curation. Allele origin: germline.
Comment: Missense variant in a coldspot region where missense variants are very unlikely to be pathogenic (PMID:31911673).

BRCA2 exon 11 coldspot. Reclassification based on statistical prior probability.

University of Science and Technology Houari Boumediene, Laboratory of Molecular and Cellular Biology (LBCM)
Classification: Uncertain significance for Breast-ovarian cancer, familial, susceptibility to, 2. Review status: criteria provided, single submitter. Criteria: ACMG Guidelines, 2015. Collection method: clinical testing. Allele origin: germline. Affected: yes.

Literature cited by the submitters: PubMed 22684231 (cited by University of Science and Technology Houari Boumediene, Laboratory of Molecular and Cellular Biology (LBCM)); PubMed 23697973 (cited by University of Science and Technology Houari Boumediene, Laboratory of Molecular and Cellular Biology (LBCM)).

NM_000059.4(BRCA2):c.6346C>G (p.His2116Asp)

Gene: BRCA2 (BRCA2 DNA repair associated; plus strand). Cytogenetic location: 13q13.1.
Variant type: single nucleotide variant.
Coding change: c.6346C>G on transcript NM_000059.4 (MANE Select); coding-DNA position 6346, C replaced by G.
Protein change: p.His2116Asp; replaces histidine 2116 with aspartic acid.
Molecular consequence: missense variant.
Genome position (GRCh38, 1-based): chr13:32,340,701, C>G. VCF-style: chr13-32340701-C-G. GRCh37 (hg19) VCF-style: chr13-32914838-C-G.
Other names: short protein forms H2116D.
Identifiers: ClinVar variation 1675171 (VCV001675171.5), dbSNP rs2137526607, ClinGen allele CA387789116.
Genomic context (GRCh38, chr13:32,340,701, plus strand): 5'-CCTACGTCTAGACAAAATGTATCAAAAATACTTCCTCGTGTTGATAAGAGAAACCCAGAG[C>G]ACTGTGTAAACTCAGAAATGGAAAAAACCTGCAGTAAAGAATTTAAATTATCAAATAACT-3'
Protein context (NP_000050.3, residues 2106-2126): LPRVDKRNPE[His2116Asp]CVNSEMEKTC